The following is an entry in ClinVar:

NM_001206927.2(DNAH8):c.13766C>T (p.Ala4589Val)

Gene: DNAH8 (dynein axonemal heavy chain 8; plus strand). Cytogenetic location: 6p21.2.
Variant type: single nucleotide variant.
Coding change: c.13766C>T on transcript NM_001206927.2 (MANE Select); coding-DNA position 13766, C replaced by T.
Protein change: p.Ala4589Val; replaces alanine 4589 with valine.
Molecular consequence: missense variant.
Genome position (GRCh38, 1-based): chr6:39,026,597, C>T. VCF-style: chr6-39026597-C-T. GRCh37 (hg19) VCF-style: chr6-38994373-C-T.
Other names: c.13115C>T, p.Ala4372Val (NM_001371.4); short protein forms A4372V, A4589V.
Identifiers: ClinVar variation 1414099 (VCV001414099.8), dbSNP rs2150800992, ClinGen allele CA363998818.

ClinVar aggregate classification (germline): Uncertain significance (1 of 4 stars; one submission).

Conditions:
Primary ciliary dyskinesia. Also called: Ciliary dyskinesia. Identifiers: Orphanet 244, MedGen C0008780, MONDO:0016575, HP:0012265.

gnomAD v4.1: 1 of 1,613,384 alleles (0.000062%); highest among the groups gnomAD compares: Non-Finnish European, 0.000085%; no homozygotes.

Submission:

Labcorp Genetics (formerly Invitae), Labcorp
Classification: Uncertain significance for Primary ciliary dyskinesia. Last evaluated: 2021-04-23. Review status: criteria provided, single submitter. Criteria: Invitae Variant Classification Sherloc (09022015). Collection method: clinical testing. Allele origin: germline.
Comment: This sequence change replaces alanine with valine at codon 4589 of the DNAH8 protein (p.Ala4589Val). The alanine residue is moderately conserved and there is a small physicochemical difference between alanine and valine. This variant is not present in population databases (ExAC no frequency). This variant has not been reported in the literature in individuals with DNAH8-related conditions. Algorithms developed to predict the effect of missense changes on protein structure and function are either unavailable or do not agree on the potential impact of this missense change (SIFT: "Deleterious"; PolyPhen-2: "Not Available"; Align-GVGD: "Class C0"). Algorithms developed to predict the effect of sequence changes on RNA splicing suggest that this variant may create or strengthen a splice site, but this prediction has not been confirmed by published transcriptional studies. In summary, the available evidence is currently insufficient to determine the role of this variant in disease. Therefore, it has been classified as a Variant of Uncertain Significance.